The following is an entry in ClinVar:

NM_017534.6(MYH2):c.5171C>T (p.Thr1724Ile)

Genes: MYHAS (myosin heavy chain gene cluster antisense RNA; plus strand), MYH2 (myosin heavy chain 2; minus strand). Cytogenetic location: 17p13.1.
Variant type: single nucleotide variant.
Coding change: c.5171C>T on transcript NM_017534.6 (MANE Select); coding-DNA position 5171, C replaced by T.
Protein change: p.Thr1724Ile; replaces threonine 1724 with isoleucine.
Molecular consequence: missense variant.
Genome position (GRCh38, 1-based): chr17:10,524,470, G>A on the plus strand (C>T on the coding strand, the complement: MYH2 is on the minus strand). VCF-style: chr17-10524470-G-A. GRCh37 (hg19) VCF-style: chr17-10427787-G-A.
Other names: c.5171C>T, p.Thr1724Ile (NM_001100112.2); short protein forms T1724I.
Identifiers: ClinVar variation 578750 (VCV000578750.8), dbSNP rs202050465, ClinGen allele CA8390479.

ClinVar aggregate classification (germline): Uncertain significance. Review status: criteria provided, multiple submitters, no conflicts (2 of 4 stars). 2 submissions from 2 submitters: Uncertain significance (2). Last evaluated 2026-01-27.

Conditions:
Myopathy, proximal, and ophthalmoplegia (CMYO6). Also called: MYOPATHY WITH CONGENITAL JOINT CONTRACTURES, OPHTHALMOPLEGIA, AND RIMMED VACUOLES; INCLUSION BODY MYOPATHY 3, AUTOSOMAL DOMINANT; CONGENITAL MYOPATHY 6 WITH OPHTHALMOPLEGIA. Identifiers: Orphanet 363677, Orphanet 79091, MedGen C1854106, MONDO:0011577, OMIM 605637.
Inborn genetic diseases. Identifiers: MedGen C0950123, MeSH D030342.

Allele frequency attached by ClinVar (database versions not stated): gnomAD 0.00007; TOPMed 0.00011.
gnomAD v4.1: 97 of 1,614,038 alleles (0.006%); highest among the groups gnomAD compares: Admixed American, 0.03%; no homozygotes.

Submissions (2):

Labcorp Genetics (formerly Invitae), Labcorp
Classification: Uncertain significance for Myopathy, proximal, and ophthalmoplegia. Last evaluated: 2026-01-27. Review status: criteria provided, single submitter. Criteria: Invitae Variant Classification Sherloc (09022015). Collection method: clinical testing. Allele origin: germline.
Comment: This sequence change replaces threonine, which is neutral and polar, with isoleucine, which is neutral and non-polar, at codon 1724 of the MYH2 protein (p.Thr1724Ile). This variant is present in population databases (rs202050465, gnomAD 0.03%). This variant has not been reported in the literature in individuals affected with MYH2-related conditions. ClinVar contains an entry for this variant (Variation ID: 578750). Invitae Evidence Modeling of protein sequence and biophysical properties (such as structural, functional, and spatial information, amino acid conservation, physicochemical variation, residue mobility, and thermodynamic stability) indicates that this missense variant is not expected to disrupt MYH2 protein function with a negative predictive value of 80%. In summary, the available evidence is currently insufficient to determine the role of this variant in disease. Therefore, it has been classified as a Variant of Uncertain Significance.

Ambry Genetics
Classification: Uncertain significance for Inborn genetic diseases. Last evaluated: 2024-08-20. Review status: criteria provided, single submitter. Criteria: Ambry Variant Classification Scheme 2023. Collection method: clinical testing. Allele origin: germline.